The following is an entry in ClinVar:

ClinVar aggregate classification (germline): Uncertain significance (1 of 4 stars; one submission).

Conditions:
Neuronal ceroid lipofuscinosis. Also called: Neuronal Ceroid Lipofuscinoses. Identifiers: Orphanet 216, Orphanet 79263, MedGen C0027877, MONDO:0016295. Disease mechanism: loss of function.

Submission:

Labcorp Genetics (formerly Invitae), Labcorp
Classification: Uncertain significance for Neuronal ceroid lipofuscinosis. Last evaluated: 2023-12-06. Review status: criteria provided, single submitter. Criteria: Invitae Variant Classification Sherloc (09022015). Collection method: clinical testing. Allele origin: germline.
Comment: This sequence change replaces leucine, which is neutral and non-polar, with valine, which is neutral and non-polar, at codon 101 of the DNAJC5 protein (p.Leu101Val). This variant is not present in population databases (gnomAD no frequency). This variant has not been reported in the literature in individuals affected with DNAJC5-related conditions. ClinVar contains an entry for this variant (Variation ID: 1043162). An algorithm developed to predict the effect of missense changes on protein structure and function (PolyPhen-2) suggests that this variant is likely to be tolerated. In summary, the available evidence is currently insufficient to determine the role of this variant in disease. Therefore, it has been classified as a Variant of Uncertain Significance.

NM_025219.3(DNAJC5):c.301C>G (p.Leu101Val)

Gene: DNAJC5 (DnaJ heat shock protein family (Hsp40) member C5; plus strand). Cytogenetic location: 20q13.33.
Variant type: single nucleotide variant.
Coding change: c.301C>G on transcript NM_025219.3 (MANE Select); coding-DNA position 301, C replaced by G.
Protein change: p.Leu101Val; replaces leucine 101 with valine.
Molecular consequence: missense variant.
Genome position (GRCh38, 1-based): chr20:63,929,505, C>G. VCF-style: chr20-63929505-C-G. GRCh37 (hg19) VCF-style: chr20-62560858-C-G.
Other names: short protein forms L101V.
Identifiers: ClinVar variation 1043162 (VCV001043162.6), dbSNP rs2053643951, ClinGen allele CA409717043.